The following is an entry in ClinVar:

NM_007198.4(PLPBP):c.824A>C (p.His275Pro)

Gene: PLPBP (pyridoxal phosphate binding protein; plus strand). Cytogenetic location: 8p11.23.
Variant type: single nucleotide variant.
Coding change: c.824A>C on transcript NM_007198.4 (MANE Select); coding-DNA position 824, A replaced by C.
Protein change: p.His275Pro; replaces histidine 275 with proline.
Molecular consequence: missense variant.
Genome position (GRCh38, 1-based): chr8:37,778,100, A>C. VCF-style: chr8-37778100-A-C. GRCh37 (hg19) VCF-style: chr8-37635618-A-C.
Other names: c.854A>C, p.His285Pro (NM_001349346.2); c.818A>C, p.His273Pro (NM_001349347.2); c.668A>C, p.His223Pro (NM_001349348.2); short protein forms H223P, H273P, H275P, H285P.
Identifiers: ClinVar variation 2059198 (VCV002059198.4), dbSNP rs758438904, ClinGen allele CA370669116.
Genomic context (GRCh38, chr8:37,778,100, plus strand): 5'-AACCCACCCCGGACAAGTGCGCAGCAGACGTGAAGGCCCCGCTGGAGGTGGCACAGGAGC[A>C]CTGAGCCAGGGAATACTGAGAGCACTAACTATGCACTAACCTAGATTTTCATTTCGATAT-3'
Protein context (NP_009129.1, residues 265-275): VKAPLEVAQE[His275Pro]

ClinVar aggregate classification (germline): Uncertain significance (1 of 4 stars; one submission).

gnomAD v4.1: 1 of 1,612,856 alleles (0.000062%); highest among the groups gnomAD compares: Admixed American, 0.0017%; no homozygotes.

Submission:

Labcorp Genetics (formerly Invitae), Labcorp
Classification: Uncertain significance. Last evaluated: 2022-07-30. Review status: criteria provided, single submitter. Criteria: Invitae Variant Classification Sherloc (09022015). Collection method: clinical testing. Allele origin: germline.
Comment: This sequence change replaces histidine, which is basic and polar, with proline, which is neutral and non-polar, at codon 275 of the PROSC protein (p.His275Pro). This variant is present in population databases (no rsID available, gnomAD 0.003%). This variant has not been reported in the literature in individuals affected with PROSC-related conditions. Algorithms developed to predict the effect of missense changes on protein structure and function output the following: SIFT: "Deleterious"; PolyPhen-2: "Benign"; Align-GVGD: "Class C0". The proline amino acid residue is found in multiple mammalian species, which suggests that this missense change does not adversely affect protein function. In summary, the available evidence is currently insufficient to determine the role of this variant in disease. Therefore, it has been classified as a Variant of Uncertain Significance.